The following is an entry in ClinVar:

ClinVar aggregate classification (germline): Uncertain significance. Review status: criteria provided, multiple submitters, no conflicts (2 of 4 stars). 2 submissions from 2 submitters: Uncertain significance (2). Last evaluated 2026-01-28.

Conditions:
Inborn genetic diseases. Identifiers: MedGen C0950123, MeSH D030342.

gnomAD v4.1: 100 of 1,613,766 alleles (0.0062%); highest among the groups gnomAD compares: South Asian, 0.1%; 1 homozygote.

Submissions (2):

Labcorp Genetics (formerly Invitae), Labcorp
Classification: Uncertain significance. Last evaluated: 2026-01-28. Review status: criteria provided, single submitter. Criteria: Invitae Variant Classification Sherloc (09022015). Collection method: clinical testing. Allele origin: germline.
Comment: This sequence change replaces isoleucine, which is neutral and non-polar, with leucine, which is neutral and non-polar, at codon 4397 of the FAT1 protein (p.Ile4397Leu). This variant is present in population databases (rs535317218, gnomAD 0.1%). This variant has not been reported in the literature in individuals affected with FAT1-related conditions. An algorithm developed to predict the effect of missense changes on protein structure and function (PolyPhen-2) suggests that this variant is likely to be disruptive. In summary, the available evidence is currently insufficient to determine the role of this variant in disease. Therefore, it has been classified as a Variant of Uncertain Significance.

Ambry Genetics
Classification: Uncertain significance for Inborn genetic diseases. Last evaluated: 2025-10-07. Review status: criteria provided, single submitter. Criteria: Ambry Variant Classification Scheme 2023. Collection method: clinical testing. Allele origin: germline.

NM_005245.4(FAT1):c.13189A>C (p.Ile4397Leu)

Genes: FAT1 (FAT atypical cadherin 1; minus strand), LOC126807253 (BRD4-independent group 4 enhancer GRCh37_chr4:187509297-187510496; plus strand). Cytogenetic location: 4q35.2.
Variant type: single nucleotide variant.
Coding change: c.13189A>C on transcript NM_005245.4 (MANE Select); coding-DNA position 13189, A replaced by C.
Protein change: p.Ile4397Leu; replaces isoleucine 4397 with leucine.
Molecular consequence: missense variant.
Genome position (GRCh38, 1-based): chr4:186,589,170, T>G on the plus strand (A>C on the coding strand, the complement: FAT1 is on the minus strand). VCF-style: chr4-186589170-T-G. GRCh37 (hg19) VCF-style: chr4-187510324-T-G.
Other names: c.13189A>C, p.Ile4397Leu (NM_001440455.1); c.13225A>C, p.Ile4409Leu (NM_001440456.1, NM_001440457.1); short protein forms I4409L, I4397L.
Identifiers: ClinVar variation 4619672 (VCV004619672.2).